The following is an entry in ClinVar:

ClinVar aggregate classification (germline): Uncertain significance (1 of 4 stars; one submission).

Allele frequency attached by ClinVar (database versions not stated): gnomAD 0.00001.
gnomAD v4.1: 1 of 1,614,032 alleles (0.000062%); highest among the groups gnomAD compares: African/African-American, 0.0013%; no homozygotes.

Submission:

Labcorp Genetics (formerly Invitae), Labcorp
Classification: Uncertain significance. Last evaluated: 2023-10-03. Review status: criteria provided, single submitter. Criteria: Invitae Variant Classification Sherloc (09022015). Collection method: clinical testing. Allele origin: germline.
Comment: This sequence change replaces cysteine, which is neutral and slightly polar, with arginine, which is basic and polar, at codon 169 of the ROM1 protein (p.Cys169Arg). This variant is not present in population databases (gnomAD no frequency). This variant has not been reported in the literature in individuals affected with ROM1-related conditions. ClinVar contains an entry for this variant (Variation ID: 1015681). Advanced modeling of protein sequence and biophysical properties (such as structural, functional, and spatial information, amino acid conservation, physicochemical variation, residue mobility, and thermodynamic stability) has been performed at Invitae for this missense variant, however the output from this modeling did not meet the statistical confidence thresholds required to predict the impact of this variant on ROM1 protein function. In summary, the available evidence is currently insufficient to determine the role of this variant in disease. Therefore, it has been classified as a Variant of Uncertain Significance.

NM_000327.4(ROM1):c.505T>C (p.Cys169Arg)

Gene: ROM1 (retinal outer segment membrane protein 1; plus strand). Cytogenetic location: 11q12.3.
Variant type: single nucleotide variant.
Coding change: c.505T>C on transcript NM_000327.4 (MANE Select); coding-DNA position 505, T replaced by C.
Protein change: p.Cys169Arg; replaces cysteine 169 with arginine.
Molecular consequence: missense variant.
Genome position (GRCh38, 1-based): chr11:62,613,786, T>C. VCF-style: chr11-62613786-T-C. GRCh37 (hg19) VCF-style: chr11-62381258-T-C.
Other names: short protein forms C169R.
Identifiers: ClinVar variation 1015681 (VCV001015681.9), dbSNP rs1942959006, ClinGen allele CA380970138.